The following is an entry in ClinVar:

NM_015057.5(MYCBP2):c.9929A>G (p.Glu3310Gly)

Gene: MYCBP2 (MYC binding protein 2; minus strand). Cytogenetic location: 13q22.3.
Variant type: single nucleotide variant.
Coding change: c.9929A>G on transcript NM_015057.5 (MANE Select); coding-DNA position 9929, A replaced by G.
Protein change: p.Glu3310Gly; replaces glutamic acid 3310 with glycine.
Molecular consequence: missense variant.
Genome position (GRCh38, 1-based): chr13:77,096,337, T>C on the plus strand (A>G on the coding strand, the complement: MYCBP2 is on the minus strand). VCF-style: chr13-77096337-T-C. GRCh37 (hg19) VCF-style: chr13-77670472-T-C.
Other names: short protein forms E3310G.
Identifiers: ClinVar variation 2579769 (VCV002579769.1), dbSNP rs2503513012, ClinGen allele CA388387411.
Genomic context (GRCh38, chr13:77,096,337, plus strand): 5'-TCATTAAAAGTATAGCTCCAAATGGAATAAAATACCTTCTCCCTTGCAGCAGCCTGTTTT[T>C]CGCGGAGGTATTTTTCTCTACAGCGATCACATACCAGATACCAAGTGCTTCCTCCTATGC-3'
Protein context (NP_055872.4, residues 3300-3320): CDRCREKYLR[Glu3310Gly]KQAAAREKVK

ClinVar aggregate classification (germline): Uncertain significance (1 of 4 stars; one submission).

Submission:

GeneDx
Classification: Uncertain significance. Last evaluated: 2023-03-14. Review status: criteria provided, single submitter. Criteria: GeneDx Variant Classification Process June 2021. Collection method: clinical testing. Allele origin: germline. Affected: yes.
Comment: Not observed at significant frequency in large population cohorts (gnomAD); In silico analysis supports that this missense variant has a deleterious effect on protein structure/function; Has not been previously published as pathogenic or benign to our knowledge